The following is an entry in ClinVar:

ClinVar aggregate classification (germline): Pathogenic (1 of 4 stars; one submission).

Submission:

Labcorp Genetics (formerly Invitae), Labcorp
Classification: Pathogenic. Last evaluated: 2022-07-05. Review status: criteria provided, single submitter. Criteria: Invitae Variant Classification Sherloc (09022015). Collection method: clinical testing. Allele origin: germline.
Comment: This variant is a gross deletion of the genomic region encompassing exon(s) 4-10 of the TRAIP gene. This deletion is out-of-frame, and is expected to create a premature termination codon and result in an absent or disrupted protein product. Loss-of-function variants in TRAIP are known to be pathogenic (PMID: 26595769, 31974414). This variant has not been reported in the literature in individuals affected with TRAIP-related conditions. For these reasons, this variant has been classified as Pathogenic.

Literature cited by the submitters: PubMed 26595769; PubMed 31974414.

NC_000003.11:g.(?_49877205)_(49882013_?)del

Gene: TRAIP (TRAF interacting protein; minus strand). Cytogenetic location: 3p21.31.
Variant type: Deletion.
Identifiers: ClinVar variation 2425431 (VCV002425431.3).